The following is an entry in ClinVar:

NM_000038.6(APC):c.6976C>G (p.Arg2326Gly)

Gene: APC (APC regulator of Wnt signaling pathway; plus strand). Cytogenetic location: 5q22.2.
Variant type: single nucleotide variant.
Coding change: c.6976C>G on transcript NM_000038.6 (MANE Select); coding-DNA position 6976, C replaced by G.
Protein change: p.Arg2326Gly; replaces arginine 2326 with glycine.
Molecular consequence: missense variant.
Genome position (GRCh38, 1-based): chr5:112,842,570, C>G. VCF-style: chr5-112842570-C-G. GRCh37 (hg19) VCF-style: chr5-112178267-C-G.
Other names: c.6976C>G, p.Arg2326Gly (NM_001127510.3, NM_001354895.2, NM_001407450.1); c.6922C>G, p.Arg2308Gly (NM_001127511.3); c.7030C>G, p.Arg2344Gly (NM_001354896.2, NM_001407447.1, NM_001407448.1 and 1 more transcripts); c.7006C>G, p.Arg2336Gly (NM_001354897.2); c.6901C>G, p.Arg2301Gly (NM_001354898.2); c.6892C>G, p.Arg2298Gly (NM_001354899.2); c.6853C>G, p.Arg2285Gly (NM_001354900.2); c.6799C>G, p.Arg2267Gly (NM_001354901.2, NM_001407453.1); and 11 more; short protein forms R2285G, R2316G, R2326G, R2043G, R2200G, R2225G, R2243G, R2319G.
Identifiers: ClinVar variation 1756402 (VCV001756402.4), dbSNP rs1060503355, ClinGen allele CA16036540.

ClinVar aggregate classification (germline): Uncertain significance. Review status: criteria provided, multiple submitters, no conflicts (2 of 4 stars). 2 submissions from 2 submitters: Uncertain significance (2). Last evaluated 2024-11-20.

Conditions:
Hereditary cancer-predisposing syndrome. Also called: Neoplastic Syndromes, Hereditary; Tumor predisposition; Hereditary Cancer Syndrome; Hereditary neoplastic syndrome. Identifiers: Orphanet 140162, MedGen C0027672, MeSH D009386, MONDO:0015356.
Familial adenomatous polyposis 1 (FAP1). Also called: FAMILIAL ADENOMATOUS POLYPOSIS 1, ATTENUATED; POLYPOSIS, ADENOMATOUS INTESTINAL. Identifiers: MedGen C2713442, MONDO:0021056, OMIM 175100. Disease mechanism: loss of function.

Allele frequency attached by ClinVar (database versions not stated): gnomAD exomes below 0.00001.
gnomAD v4.1: 2 of 1,613,674 alleles (0.00012%); highest among the groups gnomAD compares: Non-Finnish European, 0.00017%; no homozygotes.

Submissions (2):

Labcorp Genetics (formerly Invitae), Labcorp
Classification: Uncertain significance for Familial adenomatous polyposis 1. Last evaluated: 2024-11-20. Review status: criteria provided, single submitter. Criteria: Invitae Variant Classification Sherloc (09022015). Collection method: clinical testing. Allele origin: germline.
Comment: This sequence change replaces arginine, which is basic and polar, with glycine, which is neutral and non-polar, at codon 2326 of the APC protein (p.Arg2326Gly). This variant is not present in population databases (gnomAD no frequency). This variant has not been reported in the literature in individuals affected with APC-related conditions. ClinVar contains an entry for this variant (Variation ID: 1756402). Invitae Evidence Modeling of protein sequence and biophysical properties (such as structural, functional, and spatial information, amino acid conservation, physicochemical variation, residue mobility, and thermodynamic stability) indicates that this missense variant is not expected to disrupt APC protein function with a negative predictive value of 95%. In summary, the available evidence is currently insufficient to determine the role of this variant in disease. Therefore, it has been classified as a Variant of Uncertain Significance.

Ambry Genetics
Classification: Uncertain significance for Hereditary cancer-predisposing syndrome. Last evaluated: 2015-10-02. Review status: criteria provided, single submitter. Criteria: Ambry Variant Classification Scheme 2023. Collection method: clinical testing. Allele origin: germline.
Comment: The p.R2326G variant (also known as c.6976C>G), located in coding exon 15 of the APC gene, results from a C to G substitution at nucleotide position 6976. The arginine at codon 2326 is replaced by glycine, an amino acid with dissimilar properties. This variant was not reported in population based cohorts in the following databases: Database of Single Nucleotide Polymorphisms (dbSNP), NHLBI Exome Sequencing Project (ESP), and 1000 Genomes Project. In the ESP, this variant was not observed in 6501 samples (13002 alleles) with coverage at this position. To date, this alteration has been detected with an allele frequency of approximately 0.003% (greater than 32000 alleles tested) in our clinical cohort. This amino acid position is well conserved in available vertebrate species. In addition, in silico predictors for this gene do not accurately predict pathogenicity. Since supporting evidence is limited at this time, the clinical significance of p.R2326G remains unclear.